The following is an entry in ClinVar:

NM_001101362.3(KBTBD13):c.658G>T (p.Ala220Ser)

Gene: KBTBD13 (kelch repeat and BTB domain containing 13; plus strand). Cytogenetic location: 15q22.31.
Variant type: single nucleotide variant.
Coding change: c.658G>T on transcript NM_001101362.3 (MANE Select); coding-DNA position 658, G replaced by T.
Protein change: p.Ala220Ser; replaces alanine 220 with serine.
Molecular consequence: missense variant.
Genome position (GRCh38, 1-based): chr15:65,077,473, G>T. VCF-style: chr15-65077473-G-T. GRCh37 (hg19) VCF-style: chr15-65369811-G-T.
Other names: short protein forms A220S.
Identifiers: ClinVar variation 4811222 (VCV004811222.1).

ClinVar aggregate classification (germline): Uncertain significance (1 of 4 stars; one submission).

Conditions:
Nemaline myopathy 6 (NEM6). Also called: Nemaline myopathy 6, autosomal dominant. Identifiers: Orphanet 171439, MedGen C1836472, MONDO:0012237, OMIM 609273.

gnomAD v4.1: 4 of 1,524,446 alleles (0.00026%); highest among the groups gnomAD compares: African/African-American, 0.0055%; no homozygotes.

Submission:

Labcorp Genetics (formerly Invitae), Labcorp
Classification: Uncertain significance for Nemaline myopathy 6. Last evaluated: 2025-12-16. Review status: criteria provided, single submitter. Criteria: Invitae Variant Classification Sherloc (09022015). Collection method: clinical testing. Allele origin: germline.
Comment: This sequence change replaces alanine, which is neutral and non-polar, with serine, which is neutral and polar, at codon 220 of the KBTBD13 protein (p.Ala220Ser). This variant is present in population databases (rs779063501, gnomAD 0.02%). This variant has not been reported in the literature in individuals affected with KBTBD13-related conditions. Invitae Evidence Modeling of protein sequence and biophysical properties (such as structural, functional, and spatial information, amino acid conservation, physicochemical variation, residue mobility, and thermodynamic stability) indicates that this missense variant is not expected to disrupt KBTBD13 protein function with a negative predictive value of 80%. In summary, the available evidence is currently insufficient to determine the role of this variant in disease. Therefore, it has been classified as a Variant of Uncertain Significance.